The following is an entry in ClinVar:

ClinVar aggregate classification (germline): Uncertain significance (1 of 4 stars; one submission).

Submission:

Ambry Genetics
Classification: Uncertain significance. Last evaluated: 2024-12-21. Review status: criteria provided, single submitter. Criteria: Ambry Variant Classification Scheme 2023. Collection method: clinical testing. Allele origin: germline.
Comment: The p.N813T variant (also known as c.2438A>C), located in coding exon 17 of the CTNNA3 gene, results from an A to C substitution at nucleotide position 2438. The asparagine at codon 813 is replaced by threonine, an amino acid with similar properties. This amino acid position is conserved. In addition, the in silico prediction for this alteration is inconclusive. Based on the available evidence, the clinical significance of this variant remains unclear.

NM_013266.4(CTNNA3):c.2438A>C (p.Asn813Thr)

Gene: CTNNA3 (catenin alpha 3; minus strand). Cytogenetic location: 10q21.3.
Variant type: single nucleotide variant.
Coding change: c.2438A>C on transcript NM_013266.4 (MANE Select); coding-DNA position 2438, A replaced by C.
Protein change: p.Asn813Thr; replaces asparagine 813 with threonine.
Molecular consequence: missense variant.
Genome position (GRCh38, 1-based): chr10:65,920,580, T>G on the plus strand (A>C on the coding strand, the complement: CTNNA3 is on the minus strand). VCF-style: chr10-65920580-T-G. GRCh37 (hg19) VCF-style: chr10-67680338-T-G.
Other names: c.2438A>C, p.Asn813Thr (NM_001127384.3); short protein forms N813T.
Identifiers: ClinVar variation 3837205 (VCV003837205.1).